The following is an entry in ClinVar:

ClinVar aggregate classification (germline): Likely benign. Review status: criteria provided, multiple submitters, no conflicts (2 of 4 stars). 4 submissions from 4 submitters: Likely benign (3). 1 of the submissions does not count toward it. Last evaluated 2026-07-01.

Conditions:
Dyskeratosis congenita. Identifiers: Orphanet 1775, MedGen C0265965, MONDO:0015780.
Dyskeratosis congenita, autosomal dominant 2. Identifiers: MedGen C3151443, MONDO:0013521, OMIM 613989.
Idiopathic Pulmonary Fibrosis. Also called: Idiopathic fibrosing alveolitis, chronic form; idiopathic fibrosing alveolitis. Identifiers: Orphanet 2032, MedGen C1800706, MeSH D054990, MONDO:0800504.
TERT-related disorder. Also called: TERT-related condition; TERT-related disorders.

Allele frequency attached by ClinVar (database versions not stated): ExAC below 0.00001; gnomAD 0.00001; TOPMed 0.00003; gnomAD exomes 0.00006.
gnomAD v4.1: 14 of 1,541,930 alleles (0.00091%); highest among the groups gnomAD compares: Admixed American, 0.024%; no homozygotes.

Submissions (4):

CeGaT Center for Human Genetics Tuebingen
Classification: Likely benign. Last evaluated: 2026-07-01. Review status: criteria provided, single submitter. Criteria: CeGaT Center For Human Genetics Tuebingen Variant Classification Criteria Version 2. Collection method: clinical testing. Allele origin: germline. Affected: yes. Observed: 1 variant allele.
Comment: TERT: BP4, BP7

Labcorp Genetics (formerly Invitae), Labcorp
Classification: Likely benign for Dyskeratosis congenita, autosomal dominant 2; Idiopathic Pulmonary Fibrosis. Last evaluated: 2025-06-29. Review status: criteria provided, single submitter. Criteria: Invitae Variant Classification Sherloc (09022015). Collection method: clinical testing. Allele origin: germline.

Ambry Genetics
Classification: Likely benign for Dyskeratosis congenita. Last evaluated: 2022-02-15. Review status: criteria provided, single submitter. Criteria: Ambry Variant Classification Scheme 2023. Collection method: clinical testing. Allele origin: germline.

PreventionGenetics, part of Exact Sciences
Classification: Likely benign for TERT-related condition. Last evaluated: 2022-04-29. Review status: no assertion criteria provided. Collection method: clinical testing. Allele origin: germline. Not counted in ClinVar's aggregate classification.
Comment: This variant is classified as likely benign based on ACMG/AMP sequence variant interpretation guidelines (Richards et al. 2015 PMID: 25741868, with internal and published modifications).

NM_198253.3(TERT):c.975C>T (p.Tyr325=)

Gene: TERT (telomerase reverse transcriptase; minus strand). Cytogenetic location: 5p15.33.
Variant type: single nucleotide variant.
Coding change: c.975C>T on transcript NM_198253.3 (MANE Select); coding-DNA position 975, C replaced by T.
Protein change: p.Tyr325=; no amino-acid change (tyrosine 325 retained).
Molecular consequence: synonymous variant. On other transcripts: non-coding transcript variant (2).
Genome position (GRCh38, 1-based): chr5:1,293,911, G>A on the plus strand (C>T on the coding strand, the complement: TERT is on the minus strand). VCF-style: chr5-1293911-G-A. GRCh37 (hg19) VCF-style: chr5-1294026-G-A.
Other names: c.975C>T, p.Tyr325= (NM_001193376.3).
Identifiers: ClinVar variation 702146 (VCV000702146.16), dbSNP rs774784101, ClinGen allele CA3184883.